The following is an entry in ClinVar:

ClinVar aggregate classification (germline): Uncertain significance (1 of 4 stars; one submission).

Allele frequency attached by ClinVar (database versions not stated): gnomAD exomes below 0.00001; TOPMed below 0.00001; ExAC 0.00001.
gnomAD v4.1: 1 of 1,199,941 alleles (0.000083%); highest among the groups gnomAD compares: Non-Finnish European, 0.00011%; no homozygotes.

Submission:

GeneDx
Classification: Uncertain significance. Last evaluated: 2017-03-20. Review status: criteria provided, single submitter. Criteria: GeneDx Variant Classification (06012015). Collection method: clinical testing. Allele origin: germline. Affected: yes.
Comment: The R1196X variant in the BCORL1 gene has not been reported previously as a pathogenic variant nor as a benign variant, to our knowledge. This variant is predicted to cause loss of normal protein function either through protein truncation or nonsense-mediated mRNA decay. However, loss of function is not an established mechanism of disease for BCORL1-related disorders. The R1196X variant is not observed at a significant frequency in large population cohorts (Lek et al., 2016; 1000 Genomes Consortium et al., 2015; Exome Variant Server). We interpret R1196X as a variant of uncertain significance.

NM_001379451.1(BCORL1):c.3586C>T (p.Arg1196Ter)

Gene: BCORL1 (BCL6 corepressor like 1; plus strand). Cytogenetic location: Xq26.1.
Variant type: single nucleotide variant.
Coding change: c.3586C>T on transcript NM_001379451.1 (MANE Select); coding-DNA position 3586, C replaced by T.
Protein change: p.Arg1196Ter; replaces arginine 1196 with a stop codon.
Molecular consequence: nonsense.
Genome position (GRCh38, 1-based): chrX:130,021,129, C>T. VCF-style: chrX-130021129-C-T. GRCh37 (hg19) VCF-style: chrX-129155104-C-T.
Other names: c.3586C>T, p.Arg1196Ter (NM_001184772.3, NM_001379450.1, NM_021946.5); short protein forms R1196*.
Identifiers: ClinVar variation 488974 (VCV000488974.2), dbSNP rs755020390, ClinGen allele CA10514537.